The following is an entry in ClinVar:

ClinVar aggregate classification (germline): Uncertain significance (1 of 4 stars; one submission).

Submission:

CeGaT Center for Human Genetics Tuebingen
Classification: Uncertain significance. Last evaluated: 2025-07-01. Review status: criteria provided, single submitter. Criteria: CeGaT Center For Human Genetics Tuebingen Variant Classification Criteria Version 2. Collection method: clinical testing. Allele origin: germline. Affected: yes. Observed: 1 variant allele.
Comment: FLNA: PM2, PS2:Supporting

NM_001110556.2(FLNA):c.6986C>T (p.Ser2329Phe)

Gene: FLNA (filamin A; minus strand). Cytogenetic location: Xq28.
Variant type: single nucleotide variant.
Coding change: c.6986C>T on transcript NM_001110556.2 (MANE Select); coding-DNA position 6986, C replaced by T.
Protein change: p.Ser2329Phe; replaces serine 2329 with phenylalanine.
Molecular consequence: missense variant.
Genome position (GRCh38, 1-based): chrX:154,351,618, G>A on the plus strand (C>T on the coding strand, the complement: FLNA is on the minus strand). VCF-style: chrX-154351618-G-A. GRCh37 (hg19) VCF-style: chrX-153579986-G-A.
Other names: c.6962C>T, p.Ser2321Phe (NM_001456.4); short protein forms S2321F, S2329F.
Identifiers: ClinVar variation 4083636 (VCV004083636.8).
Genomic context (GRCh38, chrX:154,351,618, plus strand): 5'-GGCGGTTTCTCTCGGTGCCTCACCTGAAGGCTAGAAACAGTGAGGCGGCGGGCGTCGCCA[G>A]ACGGAGAAGCCACAGGCACCACGAAGGGGCTGTCGGGAATGTGTTCCTCGTTGAACTTGA-3'
Protein context (NP_001104026.1, residues 2319-2339): SPFVVPVASP[Ser2329Phe]GDARRLTVSS